The following is an entry in ClinVar:

ClinVar aggregate classification (germline): Uncertain significance (1 of 4 stars; one submission).

Allele frequency attached by ClinVar (database versions not stated): TOPMed below 0.00001.

Submission:

Labcorp Genetics (formerly Invitae), Labcorp
Classification: Uncertain significance. Last evaluated: 2022-01-17. Review status: criteria provided, single submitter. Criteria: Invitae Variant Classification Sherloc (09022015). Collection method: clinical testing. Allele origin: germline.
Comment: This sequence change replaces glycine, which is neutral and non-polar, with valine, which is neutral and non-polar, at codon 3087 of the PCLO protein (p.Gly3087Val). In summary, the available evidence is currently insufficient to determine the role of this variant in disease. Therefore, it has been classified as a Variant of Uncertain Significance. Algorithms developed to predict the effect of missense changes on protein structure and function are either unavailable or do not agree on the potential impact of this missense change (SIFT: "Deleterious"; PolyPhen-2: "Not Available"; Align-GVGD: "Class C0"). This variant has not been reported in the literature in individuals affected with PCLO-related conditions. This variant is not present in population databases (gnomAD no frequency).

NM_033026.6(PCLO):c.9260G>T (p.Gly3087Val)

Gene: PCLO (piccolo presynaptic cytomatrix protein; minus strand). Cytogenetic location: 7q21.11.
Variant type: single nucleotide variant.
Coding change: c.9260G>T on transcript NM_033026.6 (MANE Select); coding-DNA position 9260, G replaced by T.
Protein change: p.Gly3087Val; replaces glycine 3087 with valine.
Molecular consequence: missense variant.
Genome position (GRCh38, 1-based): chr7:82,951,328, C>A on the plus strand (G>T on the coding strand, the complement: PCLO is on the minus strand). VCF-style: chr7-82951328-C-A. GRCh37 (hg19) VCF-style: chr7-82580644-C-A.
Other names: c.9260G>T, p.Gly3087Val (NM_014510.3); short protein forms G3087V.
Identifiers: ClinVar variation 1972904 (VCV001972904.5), dbSNP rs1795341963, ClinGen allele CA367908868.
Genomic context (GRCh38, chr7:82,951,328, plus strand): 5'-GGTTGTGTGGTGATAGCAAATGTAGAGGGTGTTGGAGTTGCTACTGAAGAATAGACAACA[C>A]CATTAGATGACCTCAAAACACTCCCCACACAATACTGGGGTCCTGGTGGTGGTGTCATTC-3'
Protein context (NP_149015.2, residues 3077-3097): CVGSVLRSSN[Gly3087Val]VVYSSVATPT